The following is an entry in ClinVar:

ClinVar aggregate classification (germline): Uncertain significance (1 of 4 stars; one submission).

Conditions:
Rhabdoid tumor predisposition syndrome 2 (RTPS2). Identifiers: Orphanet 231108, Orphanet 69077, MedGen C2750074, MONDO:0013224, OMIM 613325.

Submission:

Labcorp Genetics (formerly Invitae), Labcorp
Classification: Uncertain significance for Rhabdoid tumor predisposition syndrome 2. Last evaluated: 2023-04-11. Review status: criteria provided, single submitter. Criteria: Invitae Variant Classification Sherloc (09022015). Collection method: clinical testing. Allele origin: germline.
Comment: This sequence change replaces glutamic acid, which is acidic and polar, with lysine, which is basic and polar, at codon 286 of the SMARCA4 protein (p.Glu286Lys). This variant is not present in population databases (gnomAD no frequency). This variant has not been reported in the literature in individuals affected with SMARCA4-related conditions. Advanced modeling of protein sequence and biophysical properties (such as structural, functional, and spatial information, amino acid conservation, physicochemical variation, residue mobility, and thermodynamic stability) performed at Invitae indicates that this missense variant is not expected to disrupt SMARCA4 protein function. In summary, the available evidence is currently insufficient to determine the role of this variant in disease. Therefore, it has been classified as a Variant of Uncertain Significance.

NM_003072.5(SMARCA4):c.856G>A (p.Glu286Lys)

Gene: SMARCA4 (SWI/SNF related BAF chromatin remodeling complex subunit ATPase 4; plus strand). Cytogenetic location: 19p13.2.
Variant type: single nucleotide variant.
Coding change: c.856G>A on transcript NM_003072.5 (MANE Select); coding-DNA position 856, G replaced by A.
Protein change: p.Glu286Lys; replaces glutamic acid 286 with lysine.
Molecular consequence: missense variant. On other transcripts: non-coding transcript variant (1).
Genome position (GRCh38, 1-based): chr19:10,987,000, G>A. VCF-style: chr19-10987000-G-A. GRCh37 (hg19) VCF-style: chr19-11097676-G-A.
Other names: c.856G>A, p.Glu286Lys (NM_001128844.3, NM_001128845.2, NM_001128846.2 and 6 more transcripts); short protein forms E286K.
Identifiers: ClinVar variation 2825602 (VCV002825602.3), dbSNP rs2145798251, ClinGen allele CA404058180.
Genomic context (GRCh38, chr19:10,987,000, plus strand): 5'-TCGGGCGTGCCCCCCGGGATGCCAGGCCAGCCTCCTGGAGGGCCTCCCAAGCCCTGGCCT[G>A]AAGGTGAGCTCCCTCTTCTATGGTGGTGCACCCGTGCCCTTACTCCCCATCTCAAGCTTG-3'
Protein context (NP_003063.2, residues 276-296): PPGGPPKPWP[Glu286Lys]GPMANAAAPT